The following is an entry in ClinVar:

ClinVar aggregate classification (germline): Uncertain significance. Review status: criteria provided, multiple submitters, no conflicts (2 of 4 stars). 2 submissions from 2 submitters: Uncertain significance (2). Last evaluated 2026-01-23.

Conditions:
Hereditary cancer-predisposing syndrome. Also called: Neoplastic Syndromes, Hereditary; Tumor predisposition; Hereditary Cancer Syndrome; Hereditary neoplastic syndrome. Identifiers: Orphanet 140162, MedGen C0027672, MeSH D009386, MONDO:0015356.
Multiple endocrine neoplasia type 4. Also called: MULTIPLE ENDOCRINE NEOPLASIA, TYPE IV. Identifiers: Orphanet 276152, MedGen C1970712, MONDO:0012552, OMIM 610755.

Submissions (2):

Ambry Genetics
Classification: Uncertain significance for Hereditary cancer-predisposing syndrome. Last evaluated: 2026-01-23. Review status: criteria provided, single submitter. Criteria: Ambry Variant Classification Scheme 2023. Collection method: clinical testing. Allele origin: germline.
Comment: The p.F62L variant (also known as c.186C>G), located in coding exon 1 of the CDKN1B gene, results from a C to G substitution at nucleotide position 186. The phenylalanine at codon 62 is replaced by leucine, an amino acid with highly similar properties. This amino acid position is highly conserved in available vertebrate species. In addition, this alteration is predicted to be deleterious by in silico analysis. Based on the available evidence, the clinical significance of this variant remains unclear.

Labcorp Genetics (formerly Invitae), Labcorp
Classification: Uncertain significance for Multiple endocrine neoplasia type 4. Last evaluated: 2023-12-13. Review status: criteria provided, single submitter. Criteria: Invitae Variant Classification Sherloc (09022015). Collection method: clinical testing. Allele origin: germline.
Comment: This sequence change replaces phenylalanine, which is neutral and non-polar, with leucine, which is neutral and non-polar, at codon 62 of the CDKN1B protein (p.Phe62Leu). This variant is not present in population databases (gnomAD no frequency). This variant has not been reported in the literature in individuals affected with CDKN1B-related conditions. ClinVar contains an entry for this variant (Variation ID: 1412434). An algorithm developed to predict the effect of missense changes on protein structure and function (PolyPhen-2) suggests that this variant is likely to be disruptive. In summary, the available evidence is currently insufficient to determine the role of this variant in disease. Therefore, it has been classified as a Variant of Uncertain Significance.

NM_004064.5(CDKN1B):c.186C>G (p.Phe62Leu)

Gene: CDKN1B (cyclin dependent kinase inhibitor 1B; plus strand). Cytogenetic location: 12p13.1.
Variant type: single nucleotide variant.
Coding change: c.186C>G on transcript NM_004064.5 (MANE Select); coding-DNA position 186, C replaced by G.
Protein change: p.Phe62Leu; replaces phenylalanine 62 with leucine.
Molecular consequence: missense variant.
Genome position (GRCh38, 1-based): chr12:12,718,025, C>G. VCF-style: chr12-12718025-C-G. GRCh37 (hg19) VCF-style: chr12-12870959-C-G.
Other names: c.186C>G (NM_004064.3); short protein forms F62L.
Identifiers: ClinVar variation 1412434 (VCV001412434.9), dbSNP rs2136355737, ClinGen allele CA383969332.
Genomic context (GRCh38, chr12:12,718,025, plus strand): 5'-CCGGGACTTGGAGAAGCACTGCAGAGACATGGAAGAGGCGAGCCAGCGCAAGTGGAATTT[C>G]GATTTTCAGAATCACAAACCCCTAGAGGGCAAGTACGAGTGGCAAGAGGTGGAGAAGGGC-3'
Protein context (NP_004055.1, residues 52-72): MEEASQRKWN[Phe62Leu]DFQNHKPLEG